The following is an entry in ClinVar:

NM_006237.4(POU4F1):c.411G>A (p.Ala137=)

Genes: OBI1-AS1 (OBI1 antisense RNA 1; plus strand), POU4F1 (POU class 4 homeobox 1; minus strand). Cytogenetic location: 13q31.1.
Variant type: single nucleotide variant.
Coding change: c.411G>A on transcript NM_006237.4 (MANE Select); coding-DNA position 411, G replaced by A.
Protein change: p.Ala137=; no amino-acid change (alanine 137 retained).
Molecular consequence: synonymous variant.
Genome position (GRCh38, 1-based): chr13:78,602,264, C>T on the plus strand (G>A on the coding strand, the complement: POU4F1 is on the minus strand). VCF-style: chr13-78602264-C-T. GRCh37 (hg19) VCF-style: chr13-79176399-C-T.
Identifiers: ClinVar variation 3390181 (VCV003390181.14).

ClinVar aggregate classification (germline): Likely benign (1 of 4 stars; one submission).

Submission:

CeGaT Center for Human Genetics Tuebingen
Classification: Likely benign. Last evaluated: 2024-11-01. Review status: criteria provided, single submitter. Criteria: CeGaT Center For Human Genetics Tuebingen Variant Classification Criteria Version 2. Collection method: clinical testing. Allele origin: germline. Affected: yes. Observed: 1 variant allele.
Comment: POU4F1: PM2:Supporting, BP4, BP7